The following is an entry in ClinVar:

NM_001384140.1(PCDH15):c.3670G>T (p.Ala1224Ser)

Gene: PCDH15 (protocadherin related 15; minus strand). Cytogenetic location: 10q21.1.
Variant type: single nucleotide variant.
Coding change: c.3670G>T on transcript NM_001384140.1 (MANE Select); coding-DNA position 3670, G replaced by T.
Protein change: p.Ala1224Ser; replaces alanine 1224 with serine.
Molecular consequence: missense variant.
Genome position (GRCh38, 1-based): chr10:53,866,689, C>A on the plus strand (G>T on the coding strand, the complement: PCDH15 is on the minus strand). VCF-style: chr10-53866689-C-A. GRCh37 (hg19) VCF-style: chr10-55626449-C-A.
Other names: c.3685G>T, p.Ala1229Ser (NM_001142763.2, NM_001142771.2); c.3670G>T, p.Ala1224Ser (NM_001142764.2, NM_001142766.2, NM_001142770.3 and 4 more transcripts); c.3457G>T, p.Ala1153Ser (NM_001142765.2); c.3559G>T, p.Ala1187Ser (NM_001142767.2); c.3604G>T, p.Ala1202Ser (NM_001142768.2, NM_001142773.2, NM_001354404.2); c.3706G>T, p.Ala1236Ser (NM_001142769.4); c.3691G>T, p.Ala1231Ser (NM_001354411.2); short protein forms A1153S, A1187S, A1202S, A1224S, A1229S, A1231S, A1236S.
Identifiers: ClinVar variation 3252786 (VCV003252786.1), dbSNP rs763199292.

ClinVar aggregate classification (germline): Uncertain significance (1 of 4 stars; one submission).

Allele frequency attached by ClinVar (database versions not stated): ExAC 0.00001; gnomAD exomes 0.00001.
gnomAD v4.1: 4 of 1,613,578 alleles (0.00025%); highest among the groups gnomAD compares: Non-Finnish European, 0.00034%; no homozygotes.

Submission:

GeneDx
Classification: Uncertain significance. Last evaluated: 2024-06-21. Review status: criteria provided, single submitter. Criteria: GeneDx Variant Classification Process June 2021. Collection method: clinical testing. Allele origin: germline. Affected: yes.
Comment: Not observed at significant frequency in large population cohorts (gnomAD); In silico analysis indicates that this missense variant does not alter protein structure/function; Has not been previously published as pathogenic or benign to our knowledge